The following is an entry in ClinVar:

ClinVar aggregate classification (germline): Conflicting classifications of pathogenicity. Review status: criteria provided, conflicting classifications (1 of 4 stars). 6 submissions from 6 submitters: Uncertain significance (2); Benign (1); Likely benign (3). Last evaluated 2026-01-24.

Conditions:
Inborn genetic diseases. Identifiers: MedGen C0950123, MeSH D030342.
Chédiak-Higashi syndrome (CHS). Also called: Chediak-Higashi Syndrome. Identifiers: Orphanet 167, MedGen C0007965, MONDO:0008963, OMIM 214500.

Allele frequency attached by ClinVar (database versions not stated): gnomAD 0.00013 and 0.00031; ESP Exome Variant Server 0.00023; TOPMed 0.00023 and 0.00026; gnomAD exomes 0.00024 and 0.00048; ExAC 0.00043.
gnomAD v4.1: 426 of 1,613,688 alleles (0.026%); highest among the groups gnomAD compares: Non-Finnish European, 0.0047%; 3 homozygotes.

Submissions (6):

Labcorp Genetics (formerly Invitae), Labcorp
Classification: Benign for Chédiak-Higashi syndrome. Last evaluated: 2026-01-24. Review status: criteria provided, single submitter. Criteria: Invitae Variant Classification Sherloc (09022015). Collection method: clinical testing. Allele origin: germline.

Mayo Clinic Laboratories, Mayo Clinic
Classification: Likely benign. Last evaluated: 2025-06-16. Review status: criteria provided, single submitter. Criteria: ACMG Guidelines, 2015. Collection method: clinical testing. Allele origin: germline. Observed: 4 variant alleles.
Comment: BS1, BP4_moderate

Blueprint Genetics
Classification: Likely benign. Last evaluated: 2024-09-09. Review status: criteria provided, single submitter. Criteria: ACMG Guidelines, 2015. Collection method: clinical testing. Allele origin: germline.

GeneDx
Classification: Uncertain significance. Last evaluated: 2023-12-18. Review status: criteria provided, single submitter. Criteria: GeneDx Variant Classification Process June 2021. Collection method: clinical testing. Allele origin: germline. Affected: yes.
Comment: Reported in an individual with Epstein-Barr virus-associated T/NK-cell lymphoproliferative disease, but information on zygosity was not provided and no second LYST gene was reported (PMID: 34170459); In silico analysis supports that this missense variant does not alter protein structure/function; This variant is associated with the following publications: (PMID: 34170459)

Ambry Genetics
Classification: Likely benign for Inborn genetic diseases. Last evaluated: 2021-06-21. Review status: criteria provided, single submitter. Criteria: Ambry Variant Classification Scheme 2023. Collection method: clinical testing. Allele origin: germline.

Illumina Laboratory Services, Illumina
Classification: Uncertain significance for Chédiak-Higashi syndrome. Last evaluated: 2018-01-13. Review status: criteria provided, single submitter. Criteria: ICSL Variant Classification Criteria 13 December 2019. Collection method: clinical testing. Allele origin: germline.

Literature cited by the submitters: PubMed 34170459 (cited by Mayo Clinic Laboratories, Mayo Clinic).

NM_000081.4(LYST):c.2150A>G (p.Asn717Ser)

Gene: LYST (lysosomal trafficking regulator; minus strand). Cytogenetic location: 1q42.3.
Variant type: single nucleotide variant.
Coding change: c.2150A>G on transcript NM_000081.4 (MANE Select); coding-DNA position 2150, A replaced by G.
Protein change: p.Asn717Ser; replaces asparagine 717 with serine.
Molecular consequence: missense variant.
Genome position (GRCh38, 1-based): chr1:235,808,668, T>C on the plus strand (A>G on the coding strand, the complement: LYST is on the minus strand). VCF-style: chr1-235808668-T-C. GRCh37 (hg19) VCF-style: chr1-235971968-T-C.
Other names: p.Asn717Ser; c.2150A>G, p.Asn717Ser (NM_001301365.1); c.2150A>G (NM_000081.2); short protein forms N717S.
Identifiers: ClinVar variation 705012 (VCV000705012.18), dbSNP rs201255245, ClinGen allele CA1467349.